The following is an entry in ClinVar:

ClinVar aggregate classification (germline): Uncertain significance (1 of 4 stars; one submission).

Conditions:
Hereditary cancer-predisposing syndrome. Also called: Neoplastic Syndromes, Hereditary; Hereditary Cancer Syndrome; Tumor predisposition; Hereditary neoplastic syndrome. Identifiers: Orphanet 140162, MedGen C0027672, MeSH D009386, MONDO:0015356.

gnomAD v4.1: 3 of 1,613,996 alleles (0.00019%); highest among the groups gnomAD compares: South Asian, 0.0033%; no homozygotes.

Submission:

Ambry Genetics
Classification: Uncertain significance for Hereditary cancer-predisposing syndrome. Last evaluated: 2024-12-20. Review status: criteria provided, single submitter. Criteria: Ambry Variant Classification Scheme 2023. Collection method: clinical testing. Allele origin: germline.
Comment: The p.S472I variant (also known as c.1415G>T), located in coding exon 11 of the POT1 gene, results from a G to T substitution at nucleotide position 1415. The serine at codon 472 is replaced by isoleucine, an amino acid with dissimilar properties. This amino acid position is conserved. In addition, the in silico prediction for this alteration is inconclusive. Based on the available evidence, the clinical significance of this variant remains unclear.

NM_015450.3(POT1):c.1415G>T (p.Ser472Ile)

Gene: POT1 (protection of telomeres 1; minus strand). Cytogenetic location: 7q31.33.
Variant type: single nucleotide variant.
Coding change: c.1415G>T on transcript NM_015450.3 (MANE Select); coding-DNA position 1415, G replaced by T.
Protein change: p.Ser472Ile; replaces serine 472 with isoleucine.
Molecular consequence: missense variant. On other transcripts: non-coding transcript variant (3).
Genome position (GRCh38, 1-based): chr7:124,835,369, C>A on the plus strand (G>T on the coding strand, the complement: POT1 is on the minus strand). VCF-style: chr7-124835369-C-A. GRCh37 (hg19) VCF-style: chr7-124475423-C-A.
Other names: c.1022G>T, p.Ser341Ile (NM_001042594.2); short protein forms S341I, S472I.
Identifiers: ClinVar variation 3781982 (VCV003781982.1).